The following is an entry in ClinVar:

NM_022124.6(CDH23):c.4136G>T (p.Arg1379Leu)

Genes: C10orf105 (chromosome 10 open reading frame 105; minus strand), CDH23 (cadherin related 23; plus strand). Cytogenetic location: 10q22.1.
Variant type: single nucleotide variant.
Coding change: c.4136G>T on transcript NM_022124.6 (MANE Select); coding-DNA position 4136, G replaced by T.
Protein change: p.Arg1379Leu; replaces arginine 1379 with leucine.
Molecular consequence: missense variant. On other transcripts: intron variant (1).
Genome position (GRCh38, 1-based): chr10:71,734,271, G>T. VCF-style: chr10-71734271-G-T. GRCh37 (hg19) VCF-style: chr10-73494028-G-T.
Other names: c.-6+3457C>A (NM_001168390.2); short protein forms R1379L.
Identifiers: ClinVar variation 437902 (VCV000437902.5), dbSNP rs767004225, ClinGen allele CA377158301.
Genomic context (GRCh38, chr10:71,734,271, plus strand): 5'-CACTCACCCATCTGGCCCCTTCCCTGCAGGGTGTGATCACAGTCCAGGGCCTGGTGGACC[G>T]TGAGAAGGGCGACTTCTATACCTTGACAGTGGTGGCAGATGACGGCGGCCCCAAGGTGGA-3'
Protein context (NP_071407.4, residues 1369-1389): GVITVQGLVD[Arg1379Leu]EKGDFYTLTV

ClinVar aggregate classification (germline): Uncertain significance. Review status: criteria provided, single submitter (1 of 4 stars). 2 submissions from 2 submitters: Uncertain significance (1). 1 of the submissions does not count toward it. Last evaluated 2023-06-22.

Conditions:
Pituitary adenoma 5, multiple types. Identifiers: MedGen C4539685, MONDO:0054601, OMIM 617540.

Submissions (2):

Women's Health and Genetics/Laboratory Corporation of America, LabCorp
Classification: Uncertain significance. Last evaluated: 2023-06-22. Review status: criteria provided, single submitter. Criteria: LabCorp Variant Classification Summary - May 2015. Collection method: clinical testing. Allele origin: germline.
Comment: Variant summary: CDH23 c.4136G>T (p.Arg1379Leu) results in a non-conservative amino acid change located in a calcium binding site of extracellular cadherin 13 domain (Zhang_2017) of the encoded protein sequence. This alters a highly conserved residue in which another missense variant (p.R1379P) has been found in association with Usher syndrome (HGMD). Five of five in-silico tools predict a damaging effect of the variant on protein function. The variant was absent in 245062 control chromosomes (gnomAD). The available data on variant occurrences in the general population are insufficient to allow any conclusion about variant significance. c.4136G>T has been reported in the literature in related heterozygous individuals affected with pituitary adenoma without a second variant identified and without retinal phenotyping (Zhang_2017). This reports does not provide unequivocal conclusions about association of the variant with Usher Syndrome. To our knowledge, no experimental evidence demonstrating an impact on protein function has been reported. The following publication has been ascertained in the context of this evaluation (PMID: 28413019). One submitter (OMIM) has cited a clinical-significance assessment for this variant to ClinVar after 2014 under the condition of pituitary adenoma, and has classified the variant as pathogenic. Based on the evidence outlined above, the variant was classified as uncertain significance.

OMIM
Classification: Pathogenic for PITUITARY ADENOMA 5, MULTIPLE TYPES. Last evaluated: 2017-09-26. Review status: no assertion criteria provided. Collection method: literature only. Allele origin: germline. Not counted in ClinVar's aggregate classification.

Literature cited by the submitters: PubMed 28413019 (cited by Women's Health and Genetics/Laboratory Corporation of America, LabCorp and OMIM).